The following is an entry in ClinVar:

ClinVar aggregate classification (germline): Uncertain significance. Review status: criteria provided, multiple submitters, no conflicts (2 of 4 stars). 2 submissions from 2 submitters: Uncertain significance (2). Last evaluated 2023-05-30.

Conditions:
Inborn genetic diseases. Identifiers: MedGen C0950123, MeSH D030342.

Allele frequency attached by ClinVar (database versions not stated): gnomAD exomes 0.00001; ExAC 0.00002; ESP Exome Variant Server 0.00008.
gnomAD v4.1: 38 of 1,613,558 alleles (0.0024%); highest among the groups gnomAD compares: Non-Finnish European, 0.0031%; no homozygotes.

Submissions (2):

Ambry Genetics
Classification: Uncertain significance for Inborn genetic diseases. Last evaluated: 2023-05-30. Review status: criteria provided, single submitter. Criteria: Ambry Variant Classification Scheme 2023. Collection method: clinical testing. Allele origin: germline.

Labcorp Genetics (formerly Invitae), Labcorp
Classification: Uncertain significance. Last evaluated: 2022-10-25. Review status: criteria provided, single submitter. Criteria: Invitae Variant Classification Sherloc (09022015). Collection method: clinical testing. Allele origin: germline.
Comment: ClinVar contains an entry for this variant (Variation ID: 1396260). This variant has not been reported in the literature in individuals affected with LTBP2-related conditions. This variant is present in population databases (rs149632889, gnomAD 0.004%). This sequence change replaces proline, which is neutral and non-polar, with serine, which is neutral and polar, at codon 339 of the LTBP2 protein (p.Pro339Ser). Algorithms developed to predict the effect of missense changes on protein structure and function output the following: SIFT: "Tolerated"; PolyPhen-2: "Benign"; Align-GVGD: "Class C0". The serine amino acid residue is found in multiple mammalian species, which suggests that this missense change does not adversely affect protein function. In summary, the available evidence is currently insufficient to determine the role of this variant in disease. Therefore, it has been classified as a Variant of Uncertain Significance.

NM_000428.3(LTBP2):c.1015C>T (p.Pro339Ser)

Gene: LTBP2 (latent transforming growth factor beta binding protein 2; minus strand). Cytogenetic location: 14q24.3.
Variant type: single nucleotide variant.
Coding change: c.1015C>T on transcript NM_000428.3 (MANE Select); coding-DNA position 1015, C replaced by T.
Protein change: p.Pro339Ser; replaces proline 339 with serine.
Molecular consequence: missense variant.
Genome position (GRCh38, 1-based): chr14:74,555,509, G>A on the plus strand (C>T on the coding strand, the complement: LTBP2 is on the minus strand). VCF-style: chr14-74555509-G-A. GRCh37 (hg19) VCF-style: chr14-75022212-G-A.
Other names: c.1015C>T (NM_000428.2); short protein forms P339S.
Identifiers: ClinVar variation 1396260 (VCV001396260.10), dbSNP rs149632889, ClinGen allele CA7270020.